The following is an entry in ClinVar:

ClinVar aggregate classification (germline): Uncertain significance (1 of 4 stars; one submission).

Conditions:
Charcot-Marie-Tooth disease axonal type 2O. Also called: CHARCOT-MARIE-TOOTH NEUROPATHY, AXONAL, TYPE 2O; CHARCOT-MARIE-TOOTH DISEASE, AXONAL, AUTOSOMAL DOMINANT, TYPE 2O; Charcot-Marie-Tooth Neuropathy Type 2O; Charcot-Marie-Tooth disease, axonal, type 20. Identifiers: Orphanet 284232, MedGen C3280220, MONDO:0013644, OMIM 614228.

Submission:

Labcorp Genetics (formerly Invitae), Labcorp
Classification: Uncertain significance for Charcot-Marie-Tooth disease axonal type 2O. Last evaluated: 2022-07-06. Review status: criteria provided, single submitter. Criteria: Invitae Variant Classification Sherloc (09022015). Collection method: clinical testing. Allele origin: germline.
Comment: Advanced modeling of protein sequence and biophysical properties (such as structural, functional, and spatial information, amino acid conservation, physicochemical variation, residue mobility, and thermodynamic stability) performed at Invitae indicates that this missense variant is not expected to disrupt DYNC1H1 protein function. In summary, the available evidence is currently insufficient to determine the role of this variant in disease. Therefore, it has been classified as a Variant of Uncertain Significance. ClinVar contains an entry for this variant (Variation ID: 1417653). This variant has not been reported in the literature in individuals affected with DYNC1H1-related conditions. This variant is not present in population databases (gnomAD no frequency). This sequence change replaces asparagine, which is neutral and polar, with histidine, which is basic and polar, at codon 4078 of the DYNC1H1 protein (p.Asn4078His).

NM_001376.5(DYNC1H1):c.12232A>C (p.Asn4078His)

Gene: DYNC1H1 (dynein cytoplasmic 1 heavy chain 1; plus strand). Cytogenetic location: 14q32.31.
Variant type: single nucleotide variant.
Coding change: c.12232A>C on transcript NM_001376.5 (MANE Select); coding-DNA position 12232, A replaced by C.
Protein change: p.Asn4078His; replaces asparagine 4078 with histidine.
Molecular consequence: missense variant.
Genome position (GRCh38, 1-based): chr14:102,042,245, A>C. VCF-style: chr14-102042245-A-C. GRCh37 (hg19) VCF-style: chr14-102508582-A-C.
Other names: short protein forms N4078H.
Identifiers: ClinVar variation 1417653 (VCV001417653.8), dbSNP rs2152596574, ClinGen allele CA391039059.